The following is an entry in ClinVar:

ClinVar aggregate classification (germline): Uncertain significance (1 of 4 stars; one submission).

Conditions:
Lynch syndrome. Identifiers: Orphanet 144, MedGen C4552100, MONDO:0005835. Disease mechanism: loss of function.

Submission:

Labcorp Genetics (formerly Invitae), Labcorp
Classification: Uncertain significance for Hereditary nonpolyposis colorectal neoplasms. Last evaluated: 2016-02-01. Review status: criteria provided, single submitter. Criteria: Invitae Variant Classification Sherloc (09022015). Collection method: clinical testing. Allele origin: germline.
Comment: A gross duplication of the genomic region encompassing the full coding sequence of the MSH6 gene has been identified. The boundaries of this event are unknown as the duplication extends beyond the assayed region for this gene and therefore may encompass additional genes. As the precise location of this duplication is unknown, it may be in tandem or it may be located elsewhere in the genome. This variant has not been reported in the literature in individuals with a MSH6-related disease. In summary, the boundaries of this variant are unknown, and the impact of this duplication on MSH6 protein function has not been established. Therefore, it has been classified as a Variant of Unknown Significance.

NM_000179.2(MSH6):c.-152-?_4001+?dup

Gene: MSH6 (mutS homolog 6; plus strand).
Variant type: Duplication.
Coding change: c.-152-?_4001+?dup on transcript NM_000179.2.
Other names: c.-152-?_4001+?dup (LRG_219t1).
Identifiers: ClinVar variation 254065 (VCV000254065.1).